The following is an entry in ClinVar:

ClinVar aggregate classification (germline): Uncertain significance (1 of 4 stars; one submission).

Conditions:
Perlman syndrome (PRLMNS). Identifiers: Orphanet 2849, MedGen C0796113, MONDO:0009965, OMIM 267000.

Submission:

Labcorp Genetics (formerly Invitae), Labcorp
Classification: Uncertain significance for Perlman syndrome. Last evaluated: 2024-04-15. Review status: criteria provided, single submitter. Criteria: Invitae Variant Classification Sherloc (09022015). Collection method: clinical testing. Allele origin: germline.
Comment: This sequence change replaces leucine, which is neutral and non-polar, with valine, which is neutral and non-polar, at codon 452 of the DIS3L2 protein (p.Leu452Val). This variant is not present in population databases (gnomAD no frequency). This variant has not been reported in the literature in individuals affected with DIS3L2-related conditions. Advanced modeling of protein sequence and biophysical properties (such as structural, functional, and spatial information, amino acid conservation, physicochemical variation, residue mobility, and thermodynamic stability) performed at Invitae indicates that this missense variant is not expected to disrupt DIS3L2 protein function with a negative predictive value of 80%. In summary, the available evidence is currently insufficient to determine the role of this variant in disease. Therefore, it has been classified as a Variant of Uncertain Significance.

NM_152383.5(DIS3L2):c.1354C>G (p.Leu452Val)

Gene: DIS3L2 (DIS3 like 3'-5' exoribonuclease 2; plus strand). Cytogenetic location: 2q37.1.
Variant type: single nucleotide variant.
Coding change: c.1354C>G on transcript NM_152383.5 (MANE Select); coding-DNA position 1354, C replaced by G.
Protein change: p.Leu452Val; replaces leucine 452 with valine.
Molecular consequence: missense variant. On other transcripts: non-coding transcript variant (2).
Genome position (GRCh38, 1-based): chr2:232,249,275, C>G. VCF-style: chr2-232249275-C-G. GRCh37 (hg19) VCF-style: chr2-233113985-C-G.
Other names: c.1354C>G, p.Leu452Val (NM_001257281.2); short protein forms L452V.
Identifiers: ClinVar variation 3698006 (VCV003698006.2).
Genomic context (GRCh38, chr2:232,249,275, plus strand): 5'-CATGGGCCTGTGCTCTATTTACAGGTGGTCCCCATGCTTCCCAGGCTGCTGTGTGAGGAG[C>G]TGTGCAGCCTCAACCCCATGTCCGACAAGCTGACCTTCTCTGTGATCTGGACACTGACTC-3'
Protein context (NP_689596.4, residues 442-462): PMLPRLLCEE[Leu452Val]CSLNPMSDKL